The following is an entry in ClinVar:

ClinVar aggregate classification (germline): Uncertain significance. Review status: criteria provided, multiple submitters, no conflicts (2 of 4 stars). 7 submissions from 7 submitters: Uncertain significance (7). Last evaluated 2025-10-23.

Conditions:
PMS2-related disorder. Also called: PMS2-related condition.
Hereditary nonpolyposis colorectal neoplasms. Identifiers: MedGen C0009405, MeSH D003123.
Hereditary cancer-predisposing syndrome. Also called: Tumor predisposition; Hereditary neoplastic syndrome; Neoplastic Syndromes, Hereditary; Hereditary Cancer Syndrome. Identifiers: Orphanet 140162, MedGen C0027672, MeSH D009386, MONDO:0015356.
Lynch syndrome 4 (LYNCH4). Also called: Hereditary non-polyposis colorectal cancer, type 4; Colorectal cancer, hereditary nonpolyposis, type 4. Identifiers: Orphanet 144, MedGen C1838333, MONDO:0013699, OMIM 614337. Disease mechanism: loss of function.

Submissions (7):

Labcorp Genetics (formerly Invitae), Labcorp
Classification: Uncertain significance for Hereditary nonpolyposis colorectal neoplasms. Last evaluated: 2025-10-23. Review status: criteria provided, single submitter. Criteria: Invitae Variant Classification Sherloc (09022015). Collection method: clinical testing. Allele origin: germline.
Comment: This sequence change replaces leucine, which is neutral and non-polar, with proline, which is neutral and non-polar, at codon 723 of the PMS2 protein (p.Leu723Pro). The frequency data for this variant in the population databases (gnomAD) is considered unreliable due to the presence of homologous sequence, such as pseudogenes or paralogs, in the genome. This variant has not been reported in the literature in individuals affected with PMS2-related conditions. ClinVar contains an entry for this variant (Variation ID: 455689). Invitae Evidence Modeling incorporating data from in vitro experimental studies (internal data) indicates that this missense variant is not expected to disrupt PMS2 function with a negative predictive value of 95%. In summary, the available evidence is currently insufficient to determine the role of this variant in disease. Therefore, it has been classified as a Variant of Uncertain Significance.

PreventionGenetics, part of Exact Sciences
Classification: Uncertain significance for PMS2-related condition. Last evaluated: 2024-11-21. Review status: criteria provided, single submitter. Criteria: ACMG Guidelines, 2015. Collection method: clinical testing. Allele origin: germline.
Comment: The PMS2 c.2168T>C variant is predicted to result in the amino acid substitution p.Leu723Pro. To our knowledge, this variant has not been reported in the literature. This variant is reported in 0.0030% of alleles in individuals of Latino descent in gnomAD and is interpreted as uncertain in ClinVar. At this time, the clinical significance of this variant is uncertain due to the absence of conclusive functional and genetic evidence.

Ambry Genetics
Classification: Uncertain significance for Hereditary cancer-predisposing syndrome. Last evaluated: 2024-06-28. Review status: criteria provided, single submitter. Criteria: Ambry Variant Classification Scheme 2023. Collection method: clinical testing. Allele origin: germline.
Comment: The p.L723P variant (also known as c.2168T>C), located in coding exon 12 of the PMS2 gene, results from a T to C substitution at nucleotide position 2168. The leucine at codon 723 is replaced by proline, an amino acid with similar properties. This amino acid position is highly conserved in available vertebrate species. In addition, this alteration is predicted to be deleterious by in silico analysis. Since supporting evidence is limited at this time, the clinical significance of this alteration remains unclear.

GeneDx
Classification: Uncertain significance. Last evaluated: 2023-11-20. Review status: criteria provided, single submitter. Criteria: GeneDx Variant Classification Process June 2021. Collection method: clinical testing. Allele origin: germline. Affected: yes.
Comment: Not observed at significant frequency in large population cohorts (gnomAD); In silico analysis supports that this missense variant has a deleterious effect on protein structure/function; Has not been previously published as pathogenic or benign to our knowledge; This variant is associated with the following publications: (PMID: Fukui2011[Chapter])

Baylor Genetics
Classification: Uncertain significance for Lynch syndrome 4. Last evaluated: 2023-10-20. Review status: criteria provided, single submitter. Criteria: ACMG Guidelines, 2015. Collection method: clinical testing. Allele origin: unknown.

Quest Diagnostics Nichols Institute San Juan Capistrano
Classification: Uncertain significance. Last evaluated: 2023-09-07. Review status: criteria provided, single submitter. Criteria: Quest Diagnostics criteria. Collection method: clinical testing. Allele origin: unknown.
Comment: This variant has not been reported in the published literature. The frequency of this variant in the general population, 0.0000042 (1/238864 chromosomes (Genome Aggregation Database)), is uninformative in the assessment of its pathogenicity. Analysis of this variant using bioinformatics tools for the prediction of the effect of amino acid changes on protein structure and function yielded predictions that this variant is damaging. Based on the available information, we are unable to determine the clinical significance of this variant.

Color Diagnostics, LLC DBA Color Health
Classification: Uncertain significance for Hereditary cancer-predisposing syndrome. Last evaluated: 2022-10-10. Review status: criteria provided, single submitter. Criteria: ACMG Guidelines, 2015. Collection method: clinical testing. Allele origin: germline.
Comment: This missense variant replaces leucine with proline at codon 723 of the PMS2 protein. Computational prediction suggests that this variant may have deleterious impact on protein structure and function (internally defined REVEL score threshold >= 0.7, PMID: 27666373). To our knowledge, functional studies have not been reported for this variant. This variant has not been reported in individuals affected with hereditary cancer in the literature. This variant has not been identified in the general population by the Genome Aggregation Database (gnomAD). The available evidence is insufficient to determine the role of this variant in disease conclusively. Therefore, this variant is classified as a Variant of Uncertain Significance.

NM_000535.7(PMS2):c.2168T>C (p.Leu723Pro)

Gene: PMS2 (PMS1 homolog 2, mismatch repair system component; minus strand). Cytogenetic location: 7p22.1.
Variant type: single nucleotide variant.
Coding change: c.2168T>C on transcript NM_000535.7 (MANE Select); coding-DNA position 2168, T replaced by C.
Protein change: p.Leu723Pro; replaces leucine 723 with proline.
Molecular consequence: missense variant. On other transcripts: non-coding transcript variant (1).
Genome position (GRCh38, 1-based): chr7:5,982,830, A>G on the plus strand (T>C on the coding strand, the complement: PMS2 is on the minus strand). VCF-style: chr7-5982830-A-G. GRCh37 (hg19) VCF-style: chr7-6022461-A-G.
Other names: c.2168T>C (NM_000535.6); c.1763T>C, p.Leu588Pro (NM_001322003.2, NM_001322004.2, NM_001322005.2 and 1 more transcripts); c.2012T>C, p.Leu671Pro (NM_001322006.2); c.1850T>C, p.Leu617Pro (NM_001322007.2, NM_001322008.2); c.1607T>C, p.Leu536Pro (NM_001322010.2); c.1235T>C, p.Leu412Pro (NM_001322011.2, NM_001322012.2); c.1595T>C, p.Leu532Pro (NM_001322013.2); c.2168T>C, p.Leu723Pro (NM_001322014.2); and 1 more; short protein forms L723P, L536P, L620P, L588P, L617P, L671P, L412P, L532P.
Identifiers: ClinVar variation 455689 (VCV000455689.20), dbSNP rs1246922900, ClinGen allele CA366737847.